The following is an entry in ClinVar:

NM_005591.4(MRE11):c.944C>G (p.Ala315Gly)

Gene: MRE11 (MRE11 double strand break repair nuclease; minus strand). Cytogenetic location: 11q21.
Variant type: single nucleotide variant.
Coding change: c.944C>G on transcript NM_005591.4 (MANE Select); coding-DNA position 944, C replaced by G.
Protein change: p.Ala315Gly; replaces alanine 315 with glycine.
Molecular consequence: missense variant.
Genome position (GRCh38, 1-based): chr11:94,470,544, G>C on the plus strand (C>G on the coding strand, the complement: MRE11 is on the minus strand). VCF-style: chr11-94470544-G-C. GRCh37 (hg19) VCF-style: chr11-94203710-G-C.
Other names: c.944C>G, p.Ala315Gly (NM_001330347.2, NM_005590.4); short protein forms A315G.
Identifiers: ClinVar variation 823257 (VCV000823257.4), dbSNP rs1591692627, ClinGen allele CA382374379.

ClinVar aggregate classification (germline): Uncertain significance (1 of 4 stars; one submission).

Conditions:
Hereditary cancer-predisposing syndrome. Also called: Tumor predisposition; Hereditary Cancer Syndrome; Neoplastic Syndromes, Hereditary; Hereditary neoplastic syndrome. Identifiers: Orphanet 140162, MedGen C0027672, MeSH D009386, MONDO:0015356.

Submission:

Ambry Genetics
Classification: Uncertain significance for Hereditary cancer-predisposing syndrome. Last evaluated: 2019-05-29. Review status: criteria provided, single submitter. Criteria: Ambry Variant Classification Scheme 2023. Collection method: clinical testing. Allele origin: germline.
Comment: The p.A315G variant (also known as c.944C>G), located in coding exon 8 of the MRE11A gene, results from a C to G substitution at nucleotide position 944. The alanine at codon 315 is replaced by glycine, an amino acid with similar properties. This amino acid position is not well conserved in available vertebrate species. In addition, this alteration is predicted to be tolerated by in silico analysis. Since supporting evidence is limited at this time, the clinical significance of this alteration remains unclear.